The following is an entry in ClinVar:

ClinVar aggregate classification (germline): Benign (0 of 4 stars; one submission).

Conditions:
LUC7L-related disorder. Also called: LUC7L-related condition.

Allele frequency attached by ClinVar (database versions not stated): gnomAD exomes 0.00016; ExAC 0.00068; gnomAD 0.00210; ESP Exome Variant Server 0.00238; TOPMed 0.00238; 1000 Genomes Project 0.00300; 1000 Genomes Project 30x 0.00390.
gnomAD v4.1: 566 of 1,613,846 alleles (0.035%); highest among the groups gnomAD compares: African/African-American, 0.69%; 2 homozygotes.

Submission:

PreventionGenetics, part of Exact Sciences
Classification: Benign for LUC7L-related condition. Last evaluated: 2019-04-30. Review status: no assertion criteria provided. Collection method: clinical testing. Allele origin: germline.
Comment: This variant is classified as benign based on ACMG/AMP sequence variant interpretation guidelines (Richards et al. 2015 PMID: 25741868, with internal and published modifications).

NM_201412.3(LUC7L):c.938A>G (p.His313Arg)

Gene: LUC7L (LUC7 like; minus strand). Cytogenetic location: 16p13.3.
Variant type: single nucleotide variant.
Coding change: c.938A>G on transcript NM_201412.3 (MANE Select); coding-DNA position 938, A replaced by G.
Protein change: p.His313Arg; replaces histidine 313 with arginine.
Molecular consequence: missense variant.
Genome position (GRCh38, 1-based): chr16:190,004, T>C on the plus strand (A>G on the coding strand, the complement: LUC7L is on the minus strand). VCF-style: chr16-190004-T-C. GRCh37 (hg19) VCF-style: chr16-240003-T-C.
Other names: c.938A>G, p.His313Arg (NM_001320226.2, NM_018032.5); c.779A>G, p.His260Arg (NM_001330420.2); short protein forms H260R, H313R.
Identifiers: ClinVar variation 3056892 (VCV003056892.2), dbSNP rs144911375, ClinGen allele CA7770519.